The following is an entry in ClinVar:

NM_001942.4(DSG1):c.757T>G (p.Cys253Gly)

Gene: DSG1 (desmoglein 1; plus strand). Cytogenetic location: 18q12.1.
Variant type: single nucleotide variant.
Coding change: c.757T>G on transcript NM_001942.4 (MANE Select); coding-DNA position 757, T replaced by G.
Protein change: p.Cys253Gly; replaces cysteine 253 with glycine.
Molecular consequence: missense variant.
Genome position (GRCh38, 1-based): chr18:31,333,661, T>G. VCF-style: chr18-31333661-T-G. GRCh37 (hg19) VCF-style: chr18-28913624-T-G.
Other names: short protein forms C253G.
Identifiers: ClinVar variation 4527886 (VCV004527886.1).
Genomic context (GRCh38, chr18:31,333,661, plus strand): 5'-TATGCTCTTGCTGTAAGAGGCTCTGACCGAGATGGCGGGGCAGATGGCATGTCAGCGGAA[T>G]GTGAGTGCAACATTAAAATCCTCGATGTCAATGATAATATCCCTTACATGGAACAGTCTT-3'
Protein context (NP_001933.2, residues 243-263): DGGADGMSAE[Cys253Gly]ECNIKILDVN

ClinVar aggregate classification (germline): Uncertain significance (1 of 4 stars; one submission).

Submission:

GeneDx
Classification: Uncertain significance. Last evaluated: 2025-05-01. Review status: criteria provided, single submitter. Criteria: GeneDx Variant Classification Process June 2021. Collection method: clinical testing. Allele origin: germline. Affected: yes.
Comment: Not observed at significant frequency in large population cohorts (gnomAD); In silico analysis supports that this missense variant has a deleterious effect on protein structure/function; In silico analysis supports a deleterious effect on splicing; Has not been previously published as pathogenic or benign to our knowledge